The following is an entry in ClinVar:

NM_004006.3(DMD):c.242T>A (p.Leu81Gln)

Gene: DMD (dystrophin; minus strand). Cytogenetic location: Xp21.1.
Variant type: single nucleotide variant.
Coding change: c.242T>A on transcript NM_004006.3 (MANE Select); coding-DNA position 242, T replaced by A.
Protein change: p.Leu81Gln; replaces leucine 81 with glutamine.
Molecular consequence: missense variant. On other transcripts: 5 prime UTR variant (1).
Genome position (GRCh38, 1-based): chrX:32,844,805, A>T on the plus strand (T>A on the coding strand, the complement: DMD is on the minus strand). VCF-style: chrX-32844805-A-T. GRCh37 (hg19) VCF-style: chrX-32862922-A-T.
Other names: c.218T>A, p.Leu73Gln (NM_000109.4); c.230T>A, p.Leu77Gln (NM_004009.3); c.-128T>A (NM_004010.3); short protein forms L73Q, L77Q, L81Q.
Identifiers: ClinVar variation 4800994 (VCV004800994.1).

ClinVar aggregate classification (germline): Uncertain significance (1 of 4 stars; one submission).

Conditions:
Duchenne muscular dystrophy (DMD). Also called: Duchenne Muscular Dystrophy (DMD); MUSCULAR DYSTROPHY, PSEUDOHYPERTROPHIC PROGRESSIVE, DUCHENNE TYPE. Identifiers: Orphanet 98896, MedGen C0013264, MONDO:0010679, OMIM 310200.

Submission:

Labcorp Genetics (formerly Invitae), Labcorp
Classification: Uncertain significance for Duchenne muscular dystrophy. Last evaluated: 2025-11-17. Review status: criteria provided, single submitter. Criteria: Invitae Variant Classification Sherloc (09022015). Collection method: clinical testing. Allele origin: germline.
Comment: This sequence change replaces leucine, which is neutral and non-polar, with glutamine, which is neutral and polar, at codon 81 of the DMD protein (p.Leu81Gln). This variant is present in population databases (no rsID available, gnomAD 0.001%). This variant has not been reported in the literature in individuals affected with DMD-related conditions. Invitae Evidence Modeling of protein sequence and biophysical properties (such as structural, functional, and spatial information, amino acid conservation, physicochemical variation, residue mobility, and thermodynamic stability) has been performed for this missense variant. However, the output from this modeling did not meet the statistical confidence thresholds required to predict the impact of this variant on DMD protein function. In summary, the available evidence is currently insufficient to determine the role of this variant in disease. Therefore, it has been classified as a Variant of Uncertain Significance.